The following is an entry in ClinVar:

NM_015450.3(POT1):c.1829A>G (p.Tyr610Cys)

Gene: POT1 (protection of telomeres 1; minus strand). Cytogenetic location: 7q31.33.
Variant type: single nucleotide variant.
Coding change: c.1829A>G on transcript NM_015450.3 (MANE Select); coding-DNA position 1829, A replaced by G.
Protein change: p.Tyr610Cys; replaces tyrosine 610 with cysteine.
Molecular consequence: missense variant. On other transcripts: non-coding transcript variant (3).
Genome position (GRCh38, 1-based): chr7:124,824,038, T>C on the plus strand (A>G on the coding strand, the complement: POT1 is on the minus strand). VCF-style: chr7-124824038-T-C. GRCh37 (hg19) VCF-style: chr7-124464092-T-C.
Other names: c.1436A>G, p.Tyr479Cys (NM_001042594.2); short protein forms Y610C, Y479C.
Identifiers: ClinVar variation 573129 (VCV000573129.14), dbSNP rs1363813360, ClinGen allele CA369061214.

ClinVar aggregate classification (germline): Uncertain significance. Review status: criteria provided, multiple submitters, no conflicts (2 of 4 stars). 3 submissions from 3 submitters: Uncertain significance (2). 1 of the submissions does not count toward it. Last evaluated 2026-07-03.

Conditions:
Tumor predisposition syndrome 3 (TPDS3). Also called: Melanoma, cutaneous malignant, susceptibility to, 10; Glioma susceptibility 9; LONG TELOMERE SYNDROME, POT1-RELATED; POT1 Tumor Predisposition. Identifiers: Orphanet 618, MedGen C4014476, MONDO:0014368, OMIM 615848.
Hereditary cancer-predisposing syndrome. Also called: Neoplastic Syndromes, Hereditary; Hereditary Cancer Syndrome; Hereditary neoplastic syndrome; Tumor predisposition. Identifiers: Orphanet 140162, MedGen C0027672, MeSH D009386, MONDO:0015356.

Allele frequency attached by ClinVar (database versions not stated): gnomAD exomes below 0.00001.
gnomAD v4.1: 2 of 1,608,754 alleles (0.00012%); highest among the groups gnomAD compares: South Asian, 0.0011%; no homozygotes.

Submissions (3):

Ambry Genetics
Classification: Uncertain significance for Hereditary cancer-predisposing syndrome. Last evaluated: 2026-07-03. Review status: criteria provided, single submitter. Criteria: Ambry Variant Classification Scheme 2023. Collection method: clinical testing. Allele origin: germline.

Labcorp Genetics (formerly Invitae), Labcorp
Classification: Uncertain significance for Tumor predisposition syndrome 3. Last evaluated: 2024-09-03. Review status: criteria provided, single submitter. Criteria: Invitae Variant Classification Sherloc (09022015). Collection method: clinical testing. Allele origin: germline.
Comment: This sequence change replaces tyrosine, which is neutral and polar, with cysteine, which is neutral and slightly polar, at codon 610 of the POT1 protein (p.Tyr610Cys). The frequency data for this variant in the population databases is considered unreliable, as metrics indicate poor data quality at this position in the gnomAD database. This variant has not been reported in the literature in individuals affected with POT1-related conditions. ClinVar contains an entry for this variant (Variation ID: 573129). Invitae Evidence Modeling of protein sequence and biophysical properties (such as structural, functional, and spatial information, amino acid conservation, physicochemical variation, residue mobility, and thermodynamic stability) indicates that this missense variant is not expected to disrupt POT1 protein function with a negative predictive value of 80%. In summary, the available evidence is currently insufficient to determine the role of this variant in disease. Therefore, it has been classified as a Variant of Uncertain Significance.

University of Washington Department of Laboratory Medicine, University of Washington
Classification: Likely benign for Melanoma, cutaneous malignant, susceptibility to, 10. Last evaluated: 2019-01-25. Review status: no assertion criteria provided. Collection method: research. Allele origin: maternal. Affected: yes. Not counted in ClinVar's aggregate classification.
Comment: Familial cosegregation analysis indicates that this variant does not segregate with reported brain cancers in this family while the pathogenic variant does segregate with brain cancer in the family. POT1 p.Y610C (NM_015450.2:c.1829A>G) has not been reported as pathogenic in the literature. Although this missense variant occurs at an amino acid position that is evolutionarily conserved and is predicted to be damaging by computer algorithms, missense variants in POT1 have not been reported to be pathogenic. Considering all evidence, the POT1 p.Y610C variant is considered likely benign. This analysis was performed in conjunction with the family studies as part of the University of Washington Find My Variant study.